The following is an entry in ClinVar:

ClinVar aggregate classification (germline): Likely benign (1 of 4 stars; one submission).

gnomAD v4.1: 24 of 1,611,458 alleles (0.0015%); highest among the groups gnomAD compares: African/African-American, 0.008%; no homozygotes.

Submission:

CeGaT Center for Human Genetics Tuebingen
Classification: Likely benign. Last evaluated: 2026-09-01. Review status: criteria provided, single submitter. Criteria: CeGaT Center For Human Genetics Tuebingen Variant Classification Criteria Version 2. Collection method: clinical testing. Allele origin: germline. Affected: yes. Observed: 1 variant allele.
Comment: DHX30: BP4, BP7

NM_138615.3(DHX30):c.2904C>T (p.Tyr968=)

Gene: DHX30 (DExH-box helicase 30; plus strand). Cytogenetic location: 3p21.31.
Variant type: single nucleotide variant.
Coding change: c.2904C>T on transcript NM_138615.3 (MANE Select); coding-DNA position 2904, C replaced by T.
Protein change: p.Tyr968=; no amino-acid change (tyrosine 968 retained).
Molecular consequence: synonymous variant.
Genome position (GRCh38, 1-based): chr3:47,849,054, C>T. VCF-style: chr3-47849054-C-T. GRCh37 (hg19) VCF-style: chr3-47890544-C-T.
Other names: c.2820C>T, p.Tyr940= (NM_001330990.2); c.2787C>T, p.Tyr929= (NM_014966.4).
Identifiers: ClinVar variation 5041133 (VCV005041133.1).
Genomic context (GRCh38, chr3:47,849,054, plus strand): 5'-GGTGCTGCGTTGGCAGGACCGCAGCTCCCGGGAGAATTACCTGGAGGAAAACCTGCTGTA[C>T]GCACCCAGCCTGCGCTTCATCCACGGTCAGTCGGGCCCACACCTGCTCTCCTGAGCCCCT-3'
Protein context (NP_619520.1, residues 958-978): RENYLEENLL[Tyr968=]APSLRFIHGL